The following is an entry in ClinVar:

NM_000384.3(APOB):c.3759C>T (p.Asp1253=)

Gene: APOB (apolipoprotein B; minus strand). Cytogenetic location: 2p24.1.
Variant type: single nucleotide variant.
Coding change: c.3759C>T on transcript NM_000384.3 (MANE Select); coding-DNA position 3759, C replaced by T.
Protein change: p.Asp1253=; no amino-acid change (aspartic acid 1253 retained).
Molecular consequence: synonymous variant.
Genome position (GRCh38, 1-based): chr2:21,014,531, G>A on the plus strand (C>T on the coding strand, the complement: APOB is on the minus strand). VCF-style: chr2-21014531-G-A. GRCh37 (hg19) VCF-style: chr2-21237403-G-A.
Identifiers: ClinVar variation 4076993 (VCV004076993.1).

ClinVar aggregate classification (germline): Likely benign (1 of 4 stars; one submission).

Conditions:
Familial hypercholesterolemia. Also called: Familial hypercholesterolaemia. Identifiers: MedGen C0020445, MONDO:0005439.

gnomAD v4.1: 1 of 1,614,088 alleles (0.000062%); highest among the groups gnomAD compares: South Asian, 0.0011%; no homozygotes.

Submission:

GENinCode PLC
Classification: Likely benign for Familial hypercholesterolemia. Last evaluated: 2025-06-27. Review status: criteria provided, single submitter. Criteria: ACMG Guidelines, 2015. Collection method: clinical testing. Allele origin: germline.
Comment: This is a synonymous (silent) variant that is not predicted to impact splicing and occurs at a nucleotide which is not highly conserved. This variant has been classified as Likely Benign (BP4, BP7).